The following is an entry in ClinVar:

ClinVar aggregate classification (germline): Uncertain significance (1 of 4 stars; one submission).

Submission:

Labcorp Genetics (formerly Invitae), Labcorp
Classification: Uncertain significance. Last evaluated: 2024-10-20. Review status: criteria provided, single submitter. Criteria: Invitae Variant Classification Sherloc (09022015). Collection method: clinical testing. Allele origin: germline.
Comment: This sequence change replaces arginine, which is basic and polar, with glycine, which is neutral and non-polar, at codon 471 of the LZTR1 protein (p.Arg471Gly). This variant is not present in population databases (gnomAD no frequency). This variant has not been reported in the literature in individuals affected with LZTR1-related conditions. Invitae Evidence Modeling of protein sequence and biophysical properties (such as structural, functional, and spatial information, amino acid conservation, physicochemical variation, residue mobility, and thermodynamic stability) indicates that this missense variant is not expected to disrupt LZTR1 protein function with a negative predictive value of 80%. In summary, the available evidence is currently insufficient to determine the role of this variant in disease. Therefore, it has been classified as a Variant of Uncertain Significance.

NM_006767.4(LZTR1):c.1411C>G (p.Arg471Gly)

Gene: LZTR1 (leucine zipper like post translational regulator 1; plus strand). Cytogenetic location: 22q11.21.
Variant type: single nucleotide variant.
Coding change: c.1411C>G on transcript NM_006767.4 (MANE Select); coding-DNA position 1411, C replaced by G.
Protein change: p.Arg471Gly; replaces arginine 471 with glycine.
Molecular consequence: missense variant.
Genome position (GRCh38, 1-based): chr22:20,993,981, C>G. VCF-style: chr22-20993981-C-G. GRCh37 (hg19) VCF-style: chr22-21348270-C-G.
Other names: short protein forms R471G.
Identifiers: ClinVar variation 3716336 (VCV003716336.2).